The following is an entry in ClinVar:

ClinVar aggregate classification (germline): Uncertain significance. Review status: criteria provided, multiple submitters, no conflicts (2 of 4 stars). 2 submissions from 2 submitters: Uncertain significance (2). Last evaluated 2025-09-30.

Conditions:
Hereditary diffuse gastric adenocarcinoma (HDGC). Also called: DIFFUSE GASTRIC AND LOBULAR BREAST CANCER SYNDROME. Identifiers: Orphanet 26106, MedGen C1708349, MONDO:0007648, OMIM 137215.

Allele frequency attached by ClinVar (database versions not stated): gnomAD exomes below 0.00001.
gnomAD v4.1: 2 of 1,614,140 alleles (0.00012%); highest among the groups gnomAD compares: Non-Finnish European, 0.00017%; no homozygotes.

Submissions (2):

Labcorp Genetics (formerly Invitae), Labcorp
Classification: Uncertain significance for Hereditary diffuse gastric adenocarcinoma. Last evaluated: 2025-09-30. Review status: criteria provided, single submitter. Criteria: Invitae Variant Classification Sherloc (09022015). Collection method: clinical testing. Allele origin: germline.
Comment: This sequence change replaces histidine, which is basic and polar, with tyrosine, which is neutral and polar, at codon 632 of the CDH1 protein (p.His632Tyr). This variant is not present in population databases (gnomAD no frequency). This variant has not been reported in the literature in individuals affected with CDH1-related conditions. ClinVar contains an entry for this variant (Variation ID: 950826). An algorithm developed to predict the effect of missense changes on protein structure and function (PolyPhen-2) suggests that this variant is likely to be tolerated. In summary, the available evidence is currently insufficient to determine the role of this variant in disease. Therefore, it has been classified as a Variant of Uncertain Significance.

GeneDx
Classification: Uncertain significance. Last evaluated: 2024-09-17. Review status: criteria provided, single submitter. Criteria: GeneDx Variant Classification Process June 2021. Collection method: clinical testing. Allele origin: germline. Affected: yes.
Comment: Not observed at significant frequency in large population cohorts (gnomAD); In silico analysis supports that this missense variant has a deleterious effect on protein structure/function; Has not been previously published as pathogenic or benign to our knowledge; This variant is associated with the following publications: (PMID: 15235021, 22850631)

NM_004360.5(CDH1):c.1894C>T (p.His632Tyr)

Gene: CDH1 (cadherin 1; plus strand). Cytogenetic location: 16q22.1.
Variant type: single nucleotide variant.
Coding change: c.1894C>T on transcript NM_004360.5 (MANE Select); coding-DNA position 1894, C replaced by T.
Protein change: p.His632Tyr; replaces histidine 632 with tyrosine.
Molecular consequence: missense variant. On other transcripts: 5 prime UTR variant (1).
Genome position (GRCh38, 1-based): chr16:68,822,183, C>T. VCF-style: chr16-68822183-C-T. GRCh37 (hg19) VCF-style: chr16-68856086-C-T.
Other names: c.1711C>T, p.His571Tyr (NM_001317184.2); c.346C>T, p.His116Tyr (NM_001317185.2); c.-72C>T (NM_001317186.2); short protein forms H116Y, H632Y, H571Y.
Identifiers: ClinVar variation 950826 (VCV000950826.11), dbSNP rs1961168795, ClinGen allele CA396467162.